The following is an entry in ClinVar:

NM_014975.3(MAST1):c.2958C>T (p.Val986=)

Gene: MAST1 (microtubule associated serine/threonine kinase 1; plus strand). Cytogenetic location: 19p13.13.
Variant type: single nucleotide variant.
Coding change: c.2958C>T on transcript NM_014975.3 (MANE Select); coding-DNA position 2958, C replaced by T.
Protein change: p.Val986=; no amino-acid change (valine 986 retained).
Molecular consequence: synonymous variant.
Genome position (GRCh38, 1-based): chr19:12,869,250, C>T. VCF-style: chr19-12869250-C-T. GRCh37 (hg19) VCF-style: chr19-12980064-C-T.
Other names: c.2958C>T (NM_014975.2).
Identifiers: ClinVar variation 2050496 (VCV002050496.20), dbSNP rs137886919, ClinGen allele CA9233268.

ClinVar aggregate classification (germline): Benign/Likely benign. Review status: criteria provided, multiple submitters, no conflicts (2 of 4 stars). 3 submissions from 3 submitters: Benign (1); Likely benign (1). 1 of the submissions does not count toward it. Last evaluated 2025-10-15.

Conditions:
MAST1-related disorder. Also called: MAST1-related condition.

Allele frequency attached by ClinVar (database versions not stated): gnomAD exomes 0.00062; ExAC 0.00081; ESP Exome Variant Server 0.00131; gnomAD 0.00153; 1000 Genomes Project 0.00180; 1000 Genomes Project 30x 0.00187; TOPMed 0.00189.
gnomAD v4.1: 1,184 of 1,614,128 alleles (0.073%); highest among the groups gnomAD compares: Middle Eastern, 0.35%; 3 homozygotes.

Submissions (3):

Labcorp Genetics (formerly Invitae), Labcorp
Classification: Benign. Last evaluated: 2025-10-15. Review status: criteria provided, single submitter. Criteria: Invitae Variant Classification Sherloc (09022015). Collection method: clinical testing. Allele origin: germline.

CeGaT Center for Human Genetics Tuebingen
Classification: Likely benign. Last evaluated: 2025-10-01. Review status: criteria provided, single submitter. Criteria: CeGaT Center For Human Genetics Tuebingen Variant Classification Criteria Version 2. Collection method: clinical testing. Allele origin: germline. Affected: yes. Observed: 3 variant alleles.
Comment: MAST1: BP4, BP7

PreventionGenetics, part of Exact Sciences
Classification: Likely benign for MAST1-related condition. Last evaluated: 2020-01-02. Review status: no assertion criteria provided. Collection method: clinical testing. Allele origin: germline. Not counted in ClinVar's aggregate classification.
Comment: This variant is classified as likely benign based on ACMG/AMP sequence variant interpretation guidelines (Richards et al. 2015 PMID: 25741868, with internal and published modifications).